The following is an entry in ClinVar:

ClinVar aggregate classification (germline): Uncertain significance. Review status: criteria provided, multiple submitters, no conflicts (2 of 4 stars). 2 submissions from 2 submitters: Uncertain significance (2). Last evaluated 2024-12-02.

Conditions:
Exudative vitreoretinopathy 4 (EVR4). Identifiers: Orphanet 891, MedGen C1866176, MONDO:0011151, OMIM 601813.

Allele frequency attached by ClinVar (database versions not stated): gnomAD 0.00001; gnomAD exomes 0.00001 and 0.00002; TOPMed 0.00001; 1000 Genomes Project 30x 0.00016; 1000 Genomes Project 0.00020.
gnomAD v4.1: 9 of 1,613,778 alleles (0.00056%); highest among the groups gnomAD compares: East Asian, 0.016%; no homozygotes.

Submissions (2):

Labcorp Genetics (formerly Invitae), Labcorp
Classification: Uncertain significance. Last evaluated: 2024-12-02. Review status: criteria provided, single submitter. Criteria: Invitae Variant Classification Sherloc (09022015). Collection method: clinical testing. Allele origin: germline.
Comment: This sequence change replaces aspartic acid, which is acidic and polar, with asparagine, which is neutral and polar, at codon 856 of the LRP5 protein (p.Asp856Asn). This variant is present in population databases (rs575222684, gnomAD 0.03%). This missense change has been observed in individuals with autosomal dominant familial exudative vitreoretinopathy and/or isolated dental anomalies (PMID: 31106028, 31299183, 35754005, 35876299). ClinVar contains an entry for this variant (Variation ID: 1442907). Invitae Evidence Modeling of protein sequence and biophysical properties (such as structural, functional, and spatial information, amino acid conservation, physicochemical variation, residue mobility, and thermodynamic stability) indicates that this missense variant is not expected to disrupt LRP5 protein function with a negative predictive value of 95%. In summary, the available evidence is currently insufficient to determine the role of this variant in disease. Therefore, it has been classified as a Variant of Uncertain Significance.

Juno Genomics, Hangzhou Juno Genomics, Inc
Classification: Uncertain significance for Exudative vitreoretinopathy 4. Review status: criteria provided, single submitter. Criteria: ACMG Guidelines, 2015. Collection method: clinical testing. Allele origin: germline. Affected: yes.
Comment: Absent from controls (or at extremely low frequency if recessive) in Genome Aggregation Database, Exome Sequencing Project, 1000 Genomes Project, or Exome Aggregation Consortium.;The prevalence of the variant in affected individuals is significantly increased compared to the prevalence in controls.

Literature cited by the submitters: PubMed 31106028 (cited by Labcorp Genetics (formerly Invitae), Labcorp); PubMed 31299183 (cited by Labcorp Genetics (formerly Invitae), Labcorp); PubMed 35754005 (cited by Labcorp Genetics (formerly Invitae), Labcorp); PubMed 35876299 (cited by Labcorp Genetics (formerly Invitae), Labcorp).

NM_002335.4(LRP5):c.2566G>A (p.Asp856Asn)

Gene: LRP5 (LDL receptor related protein 5; plus strand). Cytogenetic location: 11q13.2.
Variant type: single nucleotide variant.
Coding change: c.2566G>A on transcript NM_002335.4 (MANE Select); coding-DNA position 2566, G replaced by A.
Protein change: p.Asp856Asn; replaces aspartic acid 856 with asparagine.
Molecular consequence: missense variant.
Genome position (GRCh38, 1-based): chr11:68,413,751, G>A. VCF-style: chr11-68413751-G-A. GRCh37 (hg19) VCF-style: chr11-68181219-G-A.
Other names: c.823G>A, p.Asp275Asn (NM_001291902.2); short protein forms D856N, D275N.
Identifiers: ClinVar variation 1442907 (VCV001442907.9), dbSNP rs575222684, ClinGen allele CA224274616.
Genomic context (GRCh38, chr11:68,413,751, plus strand): 5'-CAGGAGCGGGTCGTGATTGCCGACGATCTCCCGCACCCGTTCGGTCTGACGCAGTACAGC[G>A]ATTATATCTACTGGACAGACTGGAATCTGCACAGCATTGAGCGGGCCGACAAGACTAGCG-3'
Protein context (NP_002326.2, residues 846-866): PHPFGLTQYS[Asp856Asn]YIYWTDWNLH